The following is an entry in ClinVar:

ClinVar aggregate classification (germline): Likely pathogenic. Review status: criteria provided, single submitter (1 of 4 stars). 2 submissions from 2 submitters: Likely pathogenic (1). 1 of the submissions does not count toward it. Last evaluated 2025-07-04.

Conditions:
Ehlers-Danlos syndrome, classic type, 1 (EDSCL1). Also called: EHLERS-DANLOS SYNDROME, GRAVIS TYPE; EHLERS-DANLOS SYNDROME, SEVERE CLASSIC TYPE; Ehlers-Danlos syndrome, type 1; Ehlers-Danlos Syndrome, Classic Type, COL5A1-Related; EDS I. Identifiers: MedGen C0268335, MONDO:0019567, OMIM 130000.
Osteogenesis imperfecta type I (OI1). Also called: OI, TYPE I; OSTEOGENESIS IMPERFECTA TARDA; OSTEOGENESIS IMPERFECTA WITH BLUE SCLERAE; Osteogenesis imperfecta type 1; Lobstein's Disease; Lobstein disease. Identifiers: Orphanet 216796, Orphanet 666, MedGen C0023931, MONDO:0008146, OMIM 166200. Disease mechanism: loss of function.
Combined osteogenesis imperfecta and Ehlers-Danlos syndrome 2. Also called: OIEDS SYNDROME 2. Identifiers: MedGen C5436847, MONDO:0030855, OMIM 619120.

Submissions (2):

Labcorp Genetics (formerly Invitae), Labcorp
Classification: Likely pathogenic for Osteogenesis imperfecta type I; Ehlers-Danlos syndrome, classic type, 1. Last evaluated: 2025-07-04. Review status: criteria provided, single submitter. Criteria: Invitae Variant Classification Sherloc (09022015). Collection method: clinical testing. Allele origin: germline.
Comment: This sequence change creates a premature translational stop signal (p.Trp1324*) in the COL1A2 gene. While this is not anticipated to result in nonsense mediated decay, it is expected to disrupt the last 43 amino acid(s) of the COL1A2 protein. This variant is not present in population databases (gnomAD no frequency). This premature translational stop signal has been observed in individual(s) with clinical features of autosomal dominant osteogenesis imperfecta (PMID: 25146735; internal data). It has also been observed to segregate with disease in related individuals. ClinVar contains an entry for this variant (Variation ID: 1398213). Experimental studies and prediction algorithms are not available or were not evaluated, and the functional significance of this variant is currently unknown. Algorithms developed to predict the effect of sequence changes on RNA splicing suggest that this variant may disrupt the consensus splice site. In summary, the currently available evidence indicates that the variant is pathogenic, but additional data are needed to prove that conclusively. Therefore, this variant has been classified as Likely Pathogenic.

Clinical Genetics Laboratory, University Hospital Schleswig-Holstein
Classification: Likely pathogenic for Combined osteogenesis imperfecta and Ehlers-Danlos syndrome 2. Last evaluated: 2021-11-02. Review status: no assertion criteria provided. Collection method: clinical testing. Allele origin: germline. Affected: yes. Not counted in ClinVar's aggregate classification.

Literature cited by the submitters: PubMed 25146735 (cited by Labcorp Genetics (formerly Invitae), Labcorp).

NM_000089.4(COL1A2):c.3971G>A (p.Trp1324Ter)

Gene: COL1A2 (collagen type I alpha 2 chain; plus strand). Cytogenetic location: 7q21.3.
Variant type: single nucleotide variant.
Coding change: c.3971G>A on transcript NM_000089.4 (MANE Select); coding-DNA position 3971, G replaced by A.
Protein change: p.Trp1324Ter; replaces tryptophan 1324 with a stop codon.
Molecular consequence: nonsense.
Genome position (GRCh38, 1-based): chr7:94,430,263, G>A. VCF-style: chr7-94430263-G-A. GRCh37 (hg19) VCF-style: chr7-94059575-G-A.
Other names: short protein forms W1324*.
Identifiers: ClinVar variation 1398213 (VCV001398213.8), dbSNP rs2115969692, ClinGen allele CA368227165.